The following is an entry in ClinVar:

ClinVar aggregate classification (germline): Uncertain significance (1 of 4 stars; one submission).

Conditions:
Mowat-Wilson syndrome (MOWS). Also called: Classic Mowat-Wilson Syndrome. Identifiers: Orphanet 2152, MedGen C1856113, MONDO:0009341, OMIM 235730.

Submission:

Labcorp Genetics (formerly Invitae), Labcorp
Classification: Uncertain significance for Mowat-Wilson syndrome. Last evaluated: 2024-10-29. Review status: criteria provided, single submitter. Criteria: Invitae Variant Classification Sherloc (09022015). Collection method: clinical testing. Allele origin: germline.
Comment: This sequence change falls in intron 5 of the ZEB2 gene. It does not directly change the encoded amino acid sequence of the ZEB2 protein. It affects a nucleotide within the consensus splice site. Information on the frequency of this variant in the gnomAD database is not available, as this variant may be reported differently in the database. This variant has not been reported in the literature in individuals affected with ZEB2-related conditions. ClinVar contains an entry for this variant (Variation ID: 1035651). Variants that disrupt the consensus splice site are a relatively common cause of aberrant splicing (PMID: 17576681, 9536098). In summary, the available evidence is currently insufficient to determine the role of this variant in disease. Therefore, it has been classified as a Variant of Uncertain Significance.

Literature cited by the submitters: PubMed 17576681; PubMed 9536098.

NM_014795.4(ZEB2):c.592+6_592+7delinsAA

Genes: ZEB2 (zinc finger E-box binding homeobox 2; minus strand), LOC111721705 (skeletal muscle cis-regulatory module overlapping ZEB2; plus strand). Cytogenetic location: 2q22.3.
Variant type: Indel.
Coding change: c.592+6_592+7delinsAA on transcript NM_014795.4 (MANE Select); bases 6 to 7 of the intron after coding-DNA position 592, GC replaced by AA.
Molecular consequence: intron variant.
Genome position (GRCh38, 1-based): chr2:144,404,829-144,404,830, GC replaced by TT on the plus strand (GC replaced by AA on the coding strand, the reverse complement: ZEB2 is on the minus strand). VCF-style: chr2-144404829-GC-TT. GRCh37 (hg19) VCF-style: chr2-145162396-GC-TT.
Other names: c.520+6_520+7delinsAA (NM_001171653.2).
Identifiers: ClinVar variation 1035651 (VCV001035651.6), dbSNP rs1703361541, ClinGen allele CA1294887578.